The following is an entry in ClinVar:

NM_000218.3(KCNQ1):c.1394-30525dup

Genes: KCNQ1 (potassium voltage-gated channel subfamily Q member 1; plus strand), KCNQ1OT1 (KCNQ1 opposite strand/antisense transcript 1; minus strand). Cytogenetic location: 11p15.5.
Variant type: Duplication.
Coding change: c.1394-30525dup on transcript NM_000218.3 (MANE Select); 30525 bases into the intron before coding-DNA position 1394, one base duplicated (T; older notation c.1394-30525dupT).
Molecular consequence: intron variant. On other transcripts: non-coding transcript variant (1).
Genome position (GRCh38, 1-based): chr11:2,631,436, T duplicated; the last of 10 consecutive T bases (chr11:2,631,427-2,631,436); duplicating any one gives the same sequence. VCF-style (leftmost placement, unchanged base first): chr11-2631426-G-GT. GRCh37 (hg19) VCF-style: chr11-2652656-G-GT.
Other names: c.1124-30525dup (NM_001406837.1); c.1298-30525dup (NM_001406836.1); c.854-30525dup (NM_001406838.1); c.1013-30525dup (NM_181798.2).
Identifiers: ClinVar variation 3037835 (VCV003037835.2), dbSNP rs760125033, ClinGen allele CA216145659.
Genomic context (GRCh38, chr11:2,631,426, plus strand): 5'-CTGATGCTTTCTATTTCACTTTTCATTTCATGCACTATATTCTTCACCTCCAAAATGTTT[G>GT]TTTTTTTTTTAGGATTTCTATTTCTTTATTGAATGTCTCCTTTTGTGTATTAATGATTTC-3'

ClinVar aggregate classification (germline): Likely benign (0 of 4 stars; one submission).

Conditions:
KCNQ1-related disorder. Also called: KCNQ1-related condition; KCNQ1-related disorders. Identifiers: MedGen CN239322.

Submission:

PreventionGenetics, part of Exact Sciences
Classification: Likely benign for KCNQ1-related condition. Last evaluated: 2020-07-27. Review status: no assertion criteria provided. Collection method: clinical testing. Allele origin: germline.
Comment: This variant is classified as likely benign based on ACMG/AMP sequence variant interpretation guidelines (Richards et al. 2015 PMID: 25741868, with internal and published modifications).